The following is an entry in ClinVar:

NM_001375524.1(TRRAP):c.7643A>G (p.His2548Arg)

Gene: TRRAP (transformation/transcription domain associated protein; plus strand). Cytogenetic location: 7q22.1.
Variant type: single nucleotide variant.
Coding change: c.7643A>G on transcript NM_001375524.1 (MANE Select); coding-DNA position 7643, A replaced by G.
Protein change: p.His2548Arg; replaces histidine 2548 with arginine.
Molecular consequence: missense variant.
Genome position (GRCh38, 1-based): chr7:98,970,242, A>G. VCF-style: chr7-98970242-A-G. GRCh37 (hg19) VCF-style: chr7-98567865-A-G.
Other names: c.7622A>G, p.His2541Arg (NM_001244580.2); c.7568A>G, p.His2523Arg (NM_003496.4); short protein forms H2523R, H2541R, H2548R.
Identifiers: ClinVar variation 1693377 (VCV001693377.2), dbSNP rs2116704579, ClinGen allele CA368296476.

ClinVar aggregate classification (germline): Uncertain significance (1 of 4 stars; one submission).

gnomAD v4.1: 3 of 1,613,596 alleles (0.00019%); highest among the groups gnomAD compares: African/African-American, 0.0013%; no homozygotes.

Submission:

GeneDx
Classification: Uncertain significance. Last evaluated: 2022-01-03. Review status: criteria provided, single submitter. Criteria: GeneDx Variant Classification Process June 2021. Collection method: clinical testing. Allele origin: germline. Affected: yes.
Comment: Not observed at significant frequency in large population cohorts (gnomAD); In silico analysis supports that this missense variant does not alter protein structure/function; Has not been previously published as pathogenic or benign to our knowledge